The following is an entry in ClinVar:

ClinVar aggregate classification (germline): Conflicting classifications of pathogenicity. Review status: criteria provided, conflicting classifications (1 of 4 stars). 10 submissions from 10 submitters: Uncertain significance (8); Likely benign (1). 1 of the submissions does not count toward it. Last evaluated 2026-01-11.

Conditions:
Familial cancer of breast. Also called: BREAST CANCER, FAMILIAL; Hereditary breast cancer; hereditary breast carcinoma. Identifiers: Orphanet 227535, MedGen C0346153, MONDO:0016419, OMIM 114480. Disease mechanism: loss of function.
Ataxia-telangiectasia syndrome (AT). Also called: Ataxia-telangiectasia, complementation group D; AT, COMPLEMENTATION GROUP C; ATAXIA-TELANGIECTASIA, COMPLEMENTATION GROUP A; ATAXIA-TELANGIECTASIA, FRESNO VARIANT; Ataxia-telangiectasia; LOUIS-BAR SYNDROME. Identifiers: Orphanet 100, MedGen C0004135, MONDO:0008840, OMIM 208900.
Hereditary cancer-predisposing syndrome. Also called: Hereditary Cancer Syndrome; Neoplastic Syndromes, Hereditary; Tumor predisposition; Hereditary neoplastic syndrome. Identifiers: Orphanet 140162, MedGen C0027672, MeSH D009386, MONDO:0015356.

Allele frequency attached by ClinVar (database versions not stated): ExAC 0.00001; gnomAD 0.00001; gnomAD exomes 0.00001; TOPMed 0.00001.
gnomAD v4.1: 7 of 1,614,012 alleles (0.00043%); highest among the groups gnomAD compares: African/African-American, 0.0013%; no homozygotes.

Submissions (10):

Labcorp Genetics (formerly Invitae), Labcorp
Classification: Uncertain significance for Ataxia-telangiectasia syndrome. Last evaluated: 2026-01-11. Review status: criteria provided, single submitter. Criteria: Invitae Variant Classification Sherloc (09022015). Collection method: clinical testing. Allele origin: germline.
Comment: This sequence change replaces aspartic acid, which is acidic and polar, with glycine, which is neutral and non-polar, at codon 831 of the ATM protein (p.Asp831Gly). This variant is present in population databases (rs587781352, gnomAD no frequency). This missense change has been observed in individual(s) with ATM-related cancers (PMID: 28135145, 35534704, 35980532). ClinVar contains an entry for this variant (Variation ID: 187178). Invitae Evidence Modeling of protein sequence and biophysical properties (such as structural, functional, and spatial information, amino acid conservation, physicochemical variation, residue mobility, and thermodynamic stability) indicates that this missense variant is not expected to disrupt ATM protein function with a negative predictive value of 95%. In summary, the available evidence is currently insufficient to determine the role of this variant in disease. Therefore, it has been classified as a Variant of Uncertain Significance.

Color Diagnostics, LLC DBA Color Health
Classification: Uncertain significance for Hereditary cancer-predisposing syndrome. Last evaluated: 2025-12-10. Review status: criteria provided, single submitter. Criteria: ACMG Guidelines, 2015. Collection method: clinical testing. Allele origin: germline.
Comment: This missense variant replaces aspartic acid with glycine at codon 831 of the ATM protein. Computational prediction suggests that this variant may not impact protein structure and function. To our knowledge, functional studies have not been reported for this variant. This variant has been detected in a breast cancer case-control meta-analysis in 3/60466 cases and 1/53461 unaffected individuals (PMID: 33471991LOVD DB-ID ATM_002061). This variant has been identified in 7/1614012 chromosomes in the general population by the Genome Aggregation Database (gnomAD). The available evidence is insufficient to determine the role of this variant in disease conclusively. Therefore, this variant is classified as a Variant of Uncertain Significance.

Institute for Biomarker Research, Medical Diagnostic Laboratories, L.L.C.
Classification: Uncertain significance for Hereditary cancer-predisposing syndrome. Last evaluated: 2025-08-27. Review status: criteria provided, single submitter. Criteria: ACMG Guidelines, 2015. Collection method: clinical testing. Allele origin: germline.
Comment: The missense variant NM_000051.4(ATM):c.2492A>G (p.Asp831Gly) has not been reported previously as a pathogenic variant, to our knowledge. There is a moderate physicochemical difference between aspartic acid and glycine. The gene ATM has a low rate of benign missense variation as indicated by a high missense variants Z-Score of 2.52. The gene ATM contains 182 pathogenic missense variants, indicating that missense variants are a common mechanism of disease in this gene. For these reasons, this variant has been classified as Uncertain Significance.

Baylor Genetics
Classification: Uncertain significance for Familial cancer of breast. Last evaluated: 2024-03-21. Review status: criteria provided, single submitter. Criteria: ACMG Guidelines, 2015. Collection method: clinical testing. Allele origin: unknown.

Ambry Genetics
Classification: Likely benign for Hereditary cancer-predisposing syndrome. Last evaluated: 2024-02-06. Review status: criteria provided, single submitter. Criteria: Ambry Variant Classification Scheme 2023. Collection method: clinical testing. Allele origin: germline.

GeneDx
Classification: Uncertain significance. Last evaluated: 2023-07-21. Review status: criteria provided, single submitter. Criteria: GeneDx Variant Classification Process June 2021. Collection method: clinical testing. Allele origin: germline. Affected: yes.
Comment: Not observed at a significant frequency in large population cohorts (gnomAD); In silico analysis supports that this missense variant does not alter protein structure/function; This variant is associated with the following publications: (PMID: 28135145, 35893033)

KCCC/NGS Laboratory, Kuwait Cancer Control Center
Classification: Uncertain significance for Familial cancer of breast. Last evaluated: 2023-07-07. Review status: criteria provided, single submitter. Criteria: ACMG Guidelines, 2015. Collection method: clinical testing. Allele origin: unknown. Affected: yes.
Comment: This sequence change replaces aspartic acid with glycine at codon 831 of the ATM protein (p.Asp831Gly). The aspartic acid residue is weakly conserved and there is a moderate physicochemical difference between aspartic acid and glycine. This variant is present in population databases (rs587781352, ExAC <0.01%). This variant has been reported in an individual affected with colorectal cancer (PMID: 28135145). ClinVar contains an entry for this variant (Variation ID: 187178). Algorithms developed to predict the effect of missense changes on protein structure and function (SIFT, PolyPhen-2, Align-GVGD) all suggest that this variant is likely to be tolerated, but these predictions have not been confirmed by published functional studies and their clinical significance is uncertain. In summary, the available evidence is currently insufficient to determine the role of this variant in disease. Therefore, it has been classified as a Variant of Uncertain Significance.

Fulgent Genetics
Classification: Uncertain significance for Familial cancer of breast; Ataxia-telangiectasia syndrome. Last evaluated: 2021-07-28. Review status: criteria provided, single submitter. Criteria: ACMG Guidelines, 2015. Collection method: clinical testing. Allele origin: unknown.

Mendelics
Classification: Uncertain significance for Ataxia-telangiectasia syndrome. Last evaluated: 2019-05-28. Review status: criteria provided, single submitter. Criteria: Mendelics Assertion Criteria 2017. Collection method: clinical testing. Allele origin: unknown.

Natera, Inc.
Classification: Uncertain significance for Ataxia-telangiectasia. Last evaluated: 2020-09-24. Review status: no assertion criteria provided. Collection method: clinical testing. Allele origin: germline. Not counted in ClinVar's aggregate classification.

Literature cited by the submitters: PubMed 28135145 (cited by Labcorp Genetics (formerly Invitae), Labcorp); PubMed 35534704 (cited by Labcorp Genetics (formerly Invitae), Labcorp); PubMed 35980532 (cited by Labcorp Genetics (formerly Invitae), Labcorp); PubMed 33471991 (cited by Color Diagnostics, LLC DBA Color Health).

NM_000051.4(ATM):c.2492A>G (p.Asp831Gly)

Gene: ATM (ATM serine/threonine kinase; plus strand). Cytogenetic location: 11q22.3.
Variant type: single nucleotide variant.
Coding change: c.2492A>G on transcript NM_000051.4 (MANE Select); coding-DNA position 2492, A replaced by G.
Protein change: p.Asp831Gly; replaces aspartic acid 831 with glycine.
Molecular consequence: missense variant.
Genome position (GRCh38, 1-based): chr11:108,267,196, A>G. VCF-style: chr11-108267196-A-G. GRCh37 (hg19) VCF-style: chr11-108137923-A-G.
Other names: c.2492A>G, p.Asp831Gly (NM_001351834.2); short protein forms D831G.
Identifiers: ClinVar variation 187178 (VCV000187178.34), dbSNP rs587781352, ClinGen allele CA196932.